The following is an entry in ClinVar:

ClinVar aggregate classification (germline): Likely pathogenic (1 of 4 stars; one submission).

Conditions:
Cystic fibrosis (CF). Also called: MUCOVISCIDOSIS. Identifiers: Orphanet 586, MedGen C0010674, MONDO:0009061, OMIM 219700. Disease mechanism: loss of function.

Submission:

Labcorp Genetics (formerly Invitae), Labcorp
Classification: Likely pathogenic for Cystic fibrosis. Last evaluated: 2023-05-22. Review status: criteria provided, single submitter. Criteria: Invitae Variant Classification Sherloc (09022015). Collection method: clinical testing. Allele origin: germline.
Comment: Algorithms developed to predict the effect of sequence changes on RNA splicing suggest that this variant may disrupt the consensus splice site. In summary, the currently available evidence indicates that the variant is pathogenic, but additional data are needed to prove that conclusively. Therefore, this variant has been classified as Likely Pathogenic. This variant has not been reported in the literature in individuals affected with CFTR-related conditions. This variant is not present in population databases (gnomAD no frequency). This variant results in the deletion of part of exon 9 (c.1171_1209+6del) of the CFTR gene. It is expected to disrupt RNA splicing. Variants that disrupt the donor or acceptor splice site typically lead to a loss of protein function (PMID: 16199547), and loss-of-function variants in CFTR are known to be pathogenic (PMID: 1695717, 7691345, 9725922).

Literature cited by the submitters: PubMed 16199547; PubMed 1695717; PubMed 7691345; PubMed 9725922.

NM_000492.4(CFTR):c.1171_1209+6del

Gene: CFTR (CF transmembrane conductance regulator; plus strand). Cytogenetic location: 7q31.2.
Variant type: Deletion.
Coding change: c.1171_1209+6del on transcript NM_000492.4 (MANE Select); coding-DNA position 1171 through 6 bases into the intron after coding-DNA position 1209, 45 bases deleted.
Molecular consequence: splice donor variant.
Genome position (GRCh38, 1-based): chr7:117,542,070-117,542,114, 45 bases deleted; deleting any 45 consecutive bases within chr7:117,542,069-117,542,114 gives the same sequence; the c. name uses the placement nearest the transcript's 3' end. GRCh37 (hg19): chr7:117,182,124-117,182,168.
Identifiers: ClinVar variation 2866826 (VCV002866826.3), dbSNP rs2485030408, ClinGen allele CA2739279266.
Genomic context (GRCh38, chr7:117,542,068, plus strand): 5'-ATAAATAGGATTTCTTACAAAAGCAAGAATATAAGACATTGGAATATAACTTAACGACTA[CAGAAGTAGTGATGGAGAATGTAACAGCCTTCTGGGAGGAGGTCAG>C]AATTTTTAAAAAATTGTTTGCTCTAAACACCTAACTGTTTTCTTCTTTGTGAATATGGAT-3'